The following is an entry in ClinVar:

NM_133433.4(NIPBL):c.3449G>A (p.Ser1150Asn)

Gene: NIPBL (NIPBL cohesin loading factor; plus strand). Cytogenetic location: 5p13.2.
Variant type: single nucleotide variant.
Coding change: c.3449G>A on transcript NM_133433.4 (MANE Select); coding-DNA position 3449, G replaced by A.
Protein change: p.Ser1150Asn; replaces serine 1150 with asparagine.
Molecular consequence: missense variant.
Genome position (GRCh38, 1-based): chr5:37,000,517, G>A. VCF-style: chr5-37000517-G-A. GRCh37 (hg19) VCF-style: chr5-37000619-G-A.
Other names: c.3449G>A, p.Ser1150Asn (NM_015384.5); short protein forms S1150N.
Identifiers: ClinVar variation 3017964 (VCV003017964.4), dbSNP rs1284341563, ClinGen allele CA359517905.

ClinVar aggregate classification (germline): Uncertain significance. Review status: criteria provided, multiple submitters, no conflicts (2 of 4 stars). 2 submissions from 2 submitters: Uncertain significance (2). Last evaluated 2026-01-02.

Conditions:
Cornelia de Lange syndrome 1 (CDLS1). Also called: Brachmann de Lange syndrome; NIPBL-Related Cornelia de Lange Syndrome; TYPUS DEGENERATIVUS AMSTELODAMENSIS. Identifiers: Orphanet 199, MedGen C4551851, MONDO:0007387, OMIM 122470.

Allele frequency attached by ClinVar (database versions not stated): TOPMed below 0.00001; gnomAD exomes 0.00001.
gnomAD v4.1: 3 of 1,613,468 alleles (0.00019%); highest among the groups gnomAD compares: Admixed American, 0.0017%; no homozygotes.

Submissions (2):

Clinical Genomics Laboratory, Washington University in St. Louis
Classification: Uncertain significance for Cornelia de Lange syndrome 1. Last evaluated: 2026-01-02. Review status: criteria provided, single submitter. Criteria: ACMG Guidelines, 2015. Collection method: clinical testing. Allele origin: germline.
Comment: The NIPBL c.3449G>A (p.Ser1150Asn) variant, to our knowledge, has not been reported in the medical literature but has been reported in the ClinVar database as a germline variant of uncertain significance by one submitter. This variant is only observed in 3/1,613,468 alleles in the general population (gnomAD v4.1.0), indicating it is not a common variant. Computational predictors are uncertain as to the impact of this variant on NIPBL function. Due to limited information, and based on ACMG/AMP guidelines for variant interpretation (Richards S et al., PMID: 25741868), the clinical significance of this variant is uncertain at this time.

Labcorp Genetics (formerly Invitae), Labcorp
Classification: Uncertain significance for Cornelia de Lange syndrome 1. Last evaluated: 2024-04-08. Review status: criteria provided, single submitter. Criteria: Invitae Variant Classification Sherloc (09022015). Collection method: clinical testing. Allele origin: germline.
Comment: This sequence change replaces serine, which is neutral and polar, with asparagine, which is neutral and polar, at codon 1150 of the NIPBL protein (p.Ser1150Asn). This variant is present in population databases (no rsID available, gnomAD 0.003%). This variant has not been reported in the literature in individuals affected with NIPBL-related conditions. Advanced modeling of protein sequence and biophysical properties (such as structural, functional, and spatial information, amino acid conservation, physicochemical variation, residue mobility, and thermodynamic stability) has been performed at Invitae for this missense variant, however the output from this modeling did not meet the statistical confidence thresholds required to predict the impact of this variant on NIPBL protein function. In summary, the available evidence is currently insufficient to determine the role of this variant in disease. Therefore, it has been classified as a Variant of Uncertain Significance.